The following is an entry in ClinVar:

ClinVar aggregate classification (germline): Uncertain significance (1 of 4 stars; one submission).

Conditions:
Charcot-Marie-Tooth disease, type I (CMT1). Also called: Charcot-Marie-Tooth, Type 1; Charcot-Marie-Tooth disease type 1. Identifiers: Orphanet 65753, MedGen C0751036, MONDO:0019011.

gnomAD v4.1: 1 of 1,613,198 alleles (0.000062%); highest among the groups gnomAD compares: African/African-American, 0.0013%; no homozygotes.

Submission:

Labcorp Genetics (formerly Invitae), Labcorp
Classification: Uncertain significance for Charcot-Marie-Tooth disease, type I. Last evaluated: 2024-07-13. Review status: criteria provided, single submitter. Criteria: Invitae Variant Classification Sherloc (09022015). Collection method: clinical testing. Allele origin: germline.
Comment: This sequence change replaces serine, which is neutral and polar, with glycine, which is neutral and non-polar, at codon 331 of the EGR2 protein (p.Ser331Gly). This variant is not present in population databases (gnomAD no frequency). This variant has not been reported in the literature in individuals affected with EGR2-related conditions. Advanced modeling of protein sequence and biophysical properties (such as structural, functional, and spatial information, amino acid conservation, physicochemical variation, residue mobility, and thermodynamic stability) performed at Invitae indicates that this missense variant is not expected to disrupt EGR2 protein function with a negative predictive value of 80%. In summary, the available evidence is currently insufficient to determine the role of this variant in disease. Therefore, it has been classified as a Variant of Uncertain Significance.

NM_000399.5(EGR2):c.991A>G (p.Ser331Gly)

Gene: EGR2 (early growth response 2; minus strand). Cytogenetic location: 10q21.3.
Variant type: single nucleotide variant.
Coding change: c.991A>G on transcript NM_000399.5 (MANE Select); coding-DNA position 991, A replaced by G.
Protein change: p.Ser331Gly; replaces serine 331 with glycine.
Molecular consequence: missense variant.
Genome position (GRCh38, 1-based): chr10:62,813,647, T>C on the plus strand (A>G on the coding strand, the complement: EGR2 is on the minus strand). VCF-style: chr10-62813647-T-C. GRCh37 (hg19) VCF-style: chr10-64573407-T-C.
Other names: c.991A>G, p.Ser331Gly (NM_001136177.3, NM_001136178.2); c.841A>G, p.Ser281Gly (NM_001136179.3, NM_001321037.2); c.1030A>G, p.Ser344Gly (NM_001410931.1); short protein forms S281G, S331G, S344G.
Identifiers: ClinVar variation 3616945 (VCV003616945.2).